The following is an entry in ClinVar:

NM_014363.6(SACS):c.4519_4522del (p.Glu1507fs)

Gene: SACS (sacsin molecular chaperone; minus strand). Cytogenetic location: 13q12.12.
Variant type: Microsatellite.
Coding change: c.4519_4522del on transcript NM_014363.6 (MANE Select); coding-DNA positions 4519 to 4522, 4 bases deleted (GAGA; older notation c.4519_4522delGAGA).
Protein change: p.Glu1507fs; shifts the reading frame from glutamic acid 1507.
Molecular consequence: frameshift variant.
Genome position (GRCh38, 1-based): chr13:23,339,354-23,339,357, TCTC deleted on the plus strand (GAGA on the coding strand, the reverse complement: SACS is on the minus strand); deleting any 4 consecutive bases within chr13:23,339,354-23,339,360 gives the same sequence; the c. name uses the placement nearest the transcript's 3' end. VCF-style (leftmost placement, unchanged base first): chr13-23339353-TTCTC-T. GRCh37 (hg19) VCF-style: chr13-23913492-TTCTC-T.
Other names: c.4078_4081del, p.Glu1360fs (NM_001278055.2); short protein forms E1360fs, E1507fs.
Identifiers: ClinVar variation 1350577 (VCV001350577.8), dbSNP rs1307665214, ClinGen allele CA2580614628.
Genomic context (GRCh38, chr13:23,339,353, plus strand): 5'-GAATTGTTGAATGACCACAAAGCAGGTCCATGACAAGCTGCCATCCCTGGGTCTAGGAGA[TTCTC>T]TCTTATGTCCATATTTCTTCTCATATCAATCAAGAAACTGCATTCTGTTGCATTTGCATC-3'

ClinVar aggregate classification (germline): Pathogenic (1 of 4 stars; one submission).

Conditions:
Spastic paraplegia. Identifiers: MedGen C0037772, HP:0001258.

Submission:

Labcorp Genetics (formerly Invitae), Labcorp
Classification: Pathogenic for Spastic paraplegia. Last evaluated: 2021-06-13. Review status: criteria provided, single submitter. Criteria: Invitae Variant Classification Sherloc (09022015). Collection method: clinical testing. Allele origin: germline.
Comment: This variant has not been reported in the literature in individuals with SACS-related conditions. This variant is not present in population databases (ExAC no frequency). This sequence change creates a premature translational stop signal (p.Glu1507Ilefs*3) in the SACS gene. While this is not anticipated to result in nonsense mediated decay, it is expected to disrupt the last 3073 amino acid(s) of the SACS protein. This variant disrupts the C-terminus of the SACS protein. Other variant(s) that disrupt this region (p.Tyr4538*) have been determined to be pathogenic (Invitae). This suggests that variants that disrupt this region of the protein are likely to be causative of disease. For these reasons, this variant has been classified as Pathogenic.